The following is an entry in ClinVar:

ClinVar aggregate classification (germline): Uncertain significance (1 of 4 stars; one submission).

Conditions:
Baller-Gerold syndrome (BGS). Also called: CRANIOSYNOSTOSIS WITH RADIAL DEFECTS. Identifiers: Orphanet 1225, MedGen C0265308, MONDO:0009039, OMIM 218600.

gnomAD v4.1: 15 of 1,603,404 alleles (0.00094%); highest among the groups gnomAD compares: African/African-American, 0.0053%; no homozygotes.

Submission:

Labcorp Genetics (formerly Invitae), Labcorp
Classification: Uncertain significance for Baller-Gerold syndrome. Last evaluated: 2023-09-26. Review status: criteria provided, single submitter. Criteria: Invitae Variant Classification Sherloc (09022015). Collection method: clinical testing. Allele origin: germline.
Comment: In summary, the available evidence is currently insufficient to determine the role of this variant in disease. Therefore, it has been classified as a Variant of Uncertain Significance. Advanced modeling of protein sequence and biophysical properties (such as structural, functional, and spatial information, amino acid conservation, physicochemical variation, residue mobility, and thermodynamic stability) performed at Invitae indicates that this missense variant is not expected to disrupt RECQL4 protein function. ClinVar contains an entry for this variant (Variation ID: 935661). This variant has not been reported in the literature in individuals affected with RECQL4-related conditions. This variant is not present in population databases (gnomAD no frequency). This sequence change replaces proline, which is neutral and non-polar, with serine, which is neutral and polar, at codon 916 of the RECQL4 protein (p.Pro916Ser).

NM_004260.4(RECQL4):c.2746C>T (p.Pro916Ser)

Gene: RECQL4 (RecQ like helicase 4; minus strand). Cytogenetic location: 8q24.3.
Variant type: single nucleotide variant.
Coding change: c.2746C>T on transcript NM_004260.4 (MANE Select); coding-DNA position 2746, C replaced by T.
Protein change: p.Pro916Ser; replaces proline 916 with serine.
Molecular consequence: missense variant.
Genome position (GRCh38, 1-based): chr8:144,512,856, G>A on the plus strand (C>T on the coding strand, the complement: RECQL4 is on the minus strand). VCF-style: chr8-144512856-G-A. GRCh37 (hg19) VCF-style: chr8-145738239-G-A.
Other names: short protein forms P916S.
Identifiers: ClinVar variation 935661 (VCV000935661.5), dbSNP rs1827511034, ClinGen allele CA372674772.